The following is an entry in ClinVar:

ClinVar aggregate classification (germline): Pathogenic (1 of 4 stars; one submission).

Conditions:
Vici syndrome (VICIS). Identifiers: Orphanet 1493, MedGen C1855772, MONDO:0009452, OMIM 242840.

Allele frequency attached by ClinVar (database versions not stated): gnomAD exomes below 0.00001.
gnomAD v4.1: 2 of 1,614,238 alleles (0.00012%); highest among the groups gnomAD compares: Non-Finnish European, 0.00017%; no homozygotes.

Submission:

Labcorp Genetics (formerly Invitae), Labcorp
Classification: Pathogenic for Vici syndrome. Last evaluated: 2019-12-04. Review status: criteria provided, single submitter. Criteria: Invitae Variant Classification Sherloc (09022015). Collection method: clinical testing. Allele origin: germline.
Comment: For these reasons, this variant has been classified as Pathogenic. Loss-of-function variants in EPG5 are known to be pathogenic (PMID: 23222957, 23674064). This sequence change creates a premature translational stop signal (p.Trp2295*) in the EPG5 gene. It is expected to result in an absent or disrupted protein product. This variant is not present in population databases (ExAC no frequency). This variant has not been reported in the literature in individuals with EPG5-related conditions.

Literature cited by the submitters: PubMed 23222957; PubMed 23674064.

NM_020964.3(EPG5):c.6885G>A (p.Trp2295Ter)

Gene: EPG5 (ectopic P-granules 5 autophagy tethering factor; minus strand). Cytogenetic location: 18q12.3.
Variant type: single nucleotide variant.
Coding change: c.6885G>A on transcript NM_020964.3 (MANE Select); coding-DNA position 6885, G replaced by A.
Protein change: p.Trp2295Ter; replaces tryptophan 2295 with a stop codon.
Molecular consequence: nonsense.
Genome position (GRCh38, 1-based): chr18:45,860,228, C>T on the plus strand (G>A on the coding strand, the complement: EPG5 is on the minus strand). VCF-style: chr18-45860228-C-T. GRCh37 (hg19) VCF-style: chr18-43440193-C-T.
Other names: short protein forms W2295*.
Identifiers: ClinVar variation 856030 (VCV000856030.8), dbSNP rs772325682, ClinGen allele CA299694358.